The following is an entry in ClinVar:

NM_001377.3(DYNC2H1):c.12766-16G>C

Gene: DYNC2H1 (dynein cytoplasmic 2 heavy chain 1; plus strand). Cytogenetic location: 11q22.3.
Variant type: single nucleotide variant.
Coding change: c.12766-16G>C on transcript NM_001377.3 (MANE Select); 16 bases into the intron before coding-DNA position 12766, G replaced by C.
Molecular consequence: intron variant.
Genome position (GRCh38, 1-based): chr11:103,479,079, G>C. VCF-style: chr11-103479079-G-C. GRCh37 (hg19) VCF-style: chr11-103349807-G-C.
Other names: c.12787-16G>C (NM_001080463.2).
Identifiers: ClinVar variation 2888359 (VCV002888359.5), dbSNP rs776014384, ClinGen allele CA6255684.

ClinVar aggregate classification (germline): Likely benign. Review status: criteria provided, multiple submitters, no conflicts (2 of 4 stars). 3 submissions from 3 submitters: Likely benign (3). Last evaluated 2025-11-02.

Conditions:
Jeune thoracic dystrophy. Also called: Jeune syndrome; Infantile thoracic dystrophy; Thoracic pelvic phalangeal dystrophy; Jeune's syndrome; Chondroectodermal dysplasia-like syndrome; Short-rib thoracic dysplasia. Identifiers: Orphanet 474, MedGen C0265275, MONDO:0018770.
Asphyxiating thoracic dystrophy 3. Also called: Saldino-Noonan Syndrome; SHORT-RIB THORACIC DYSPLASIA 3 WITH OR WITHOUT POLYDACTYLY; POLYDACTYLY WITH NEONATAL CHONDRODYSTROPHY, TYPE I; SHORT-RIB THORACIC DYSPLASIA 3/6 WITH POLYDACTYLY, DIGENIC; Short rib polydactyly syndrome 2B. Identifiers: Orphanet 474, Orphanet 93269, Orphanet 93270, Orphanet 93271, MedGen C0036069, MONDO:0013127, OMIM 613091.

Allele frequency attached by ClinVar (database versions not stated): ExAC 0.00001; gnomAD 0.00001; TOPMed 0.00001.
gnomAD v4.1: 11 of 1,612,428 alleles (0.00068%); highest among the groups gnomAD compares: Non-Finnish European, 0.00093%; no homozygotes.

Submissions (3):

Labcorp Genetics (formerly Invitae), Labcorp
Classification: Likely benign for Jeune thoracic dystrophy. Last evaluated: 2025-11-02. Review status: criteria provided, single submitter. Criteria: Invitae Variant Classification Sherloc (09022015). Collection method: clinical testing. Allele origin: germline.

ARUP Laboratories, Molecular Genetics and Genomics, ARUP Laboratories
Classification: Likely benign for Asphyxiating thoracic dystrophy 3. Last evaluated: 2024-09-09. Review status: criteria provided, single submitter. Criteria: ARUP Molecular Germline Variant Investigation Process 2024. Collection method: clinical testing. Allele origin: germline.

Women's Health and Genetics/Laboratory Corporation of America, LabCorp
Classification: Likely benign. Last evaluated: 2024-05-01. Review status: criteria provided, single submitter. Criteria: LabCorp Variant Classification Summary - May 2015. Collection method: clinical testing. Allele origin: germline.
Comment: Variant summary: DYNC2H1 c.12787-16G>C alters a non-conserved nucleotide located at a position not widely known to affect splicing. Consensus agreement among computation tools predict no significant impact on normal splicing. However, these predictions have yet to be confirmed by functional studies. The variant allele was found at a frequency of 4e-06 in 248554 control chromosomes. The available data on variant occurrences in the general population are insufficient to allow any conclusion about variant significance. To our knowledge, no occurrence of c.12787-16G>C in individuals affected with Short-rib thoracic dysplasia and no experimental evidence demonstrating its impact on protein function have been reported. ClinVar contains an entry for this variant (Variation ID: 2888359). Based on the evidence outlined above, the variant was classified as likely benign.